The following is an entry in ClinVar:

ClinVar aggregate classification (germline): Uncertain significance. Review status: criteria provided, multiple submitters, no conflicts (2 of 4 stars). 2 submissions from 2 submitters: Uncertain significance (2). Last evaluated 2023-12-18.

Allele frequency attached by ClinVar (database versions not stated): ExAC 0.00001; gnomAD 0.00001; TOPMed 0.00001.
gnomAD v4.1: 2 of 1,614,066 alleles (0.00012%); highest among the groups gnomAD compares: African/African-American, 0.0027%; no homozygotes.

Submissions (2):

Ambry Genetics
Classification: Uncertain significance. Last evaluated: 2023-12-18. Review status: criteria provided, single submitter. Criteria: Ambry Variant Classification Scheme 2023. Collection method: clinical testing. Allele origin: germline.

Labcorp Genetics (formerly Invitae), Labcorp
Classification: Uncertain significance. Last evaluated: 2023-11-24. Review status: criteria provided, single submitter. Criteria: Invitae Variant Classification Sherloc (09022015). Collection method: clinical testing. Allele origin: germline.
Comment: This sequence change replaces phenylalanine, which is neutral and non-polar, with valine, which is neutral and non-polar, at codon 219 of the UNC119 protein (p.Phe219Val). This variant is present in population databases (rs777445873, gnomAD 0.007%). This variant has not been reported in the literature in individuals affected with UNC119-related conditions. An algorithm developed to predict the effect of missense changes on protein structure and function (PolyPhen-2) suggests that this variant is likely to be disruptive. In summary, the available evidence is currently insufficient to determine the role of this variant in disease. Therefore, it has been classified as a Variant of Uncertain Significance.

NM_005148.4(UNC119):c.655T>G (p.Phe219Val)

Gene: UNC119 (unc-119 lipid binding chaperone; minus strand). Cytogenetic location: 17q11.2.
Variant type: single nucleotide variant.
Coding change: c.655T>G on transcript NM_005148.4 (MANE Select); coding-DNA position 655, T replaced by G.
Protein change: p.Phe219Val; replaces phenylalanine 219 with valine.
Molecular consequence: missense variant. On other transcripts: 3 prime UTR variant (1).
Genome position (GRCh38, 1-based): chr17:28,547,365, A>C on the plus strand (T>G on the coding strand, the complement: UNC119 is on the minus strand). VCF-style: chr17-28547365-A-C. GRCh37 (hg19) VCF-style: chr17-26874383-A-C.
Other names: c.370T>G, p.Phe124Val (NM_001330166.2); c.*259T>G (NM_054035.2); short protein forms F219V, F124V.
Identifiers: ClinVar variation 2989510 (VCV002989510.4), dbSNP rs777445873, ClinGen allele CA8459699.